The following is an entry in ClinVar:

ClinVar aggregate classification (germline): Uncertain significance (1 of 4 stars; one submission).

Conditions:
MEGF10-related myopathy (CMYO10A). Also called: Congenital myopathy 10A, severe variant. Identifiers: Orphanet 439212, MedGen C3280679, MONDO:0013731, OMIM 614399.

Submission:

Labcorp Genetics (formerly Invitae), Labcorp
Classification: Uncertain significance for MEGF10-related myopathy. Last evaluated: 2024-02-24. Review status: criteria provided, single submitter. Criteria: Invitae Variant Classification Sherloc (09022015). Collection method: clinical testing. Allele origin: germline.
Comment: This sequence change replaces asparagine, which is neutral and polar, with histidine, which is basic and polar, at codon 903 of the MEGF10 protein (p.Asn903His). This variant is not present in population databases (gnomAD no frequency). This variant has not been reported in the literature in individuals affected with MEGF10-related conditions. ClinVar contains an entry for this variant (Variation ID: 643792). Advanced modeling of protein sequence and biophysical properties (such as structural, functional, and spatial information, amino acid conservation, physicochemical variation, residue mobility, and thermodynamic stability) performed at Invitae indicates that this missense variant is not expected to disrupt MEGF10 protein function with a negative predictive value of 80%. In summary, the available evidence is currently insufficient to determine the role of this variant in disease. Therefore, it has been classified as a Variant of Uncertain Significance.

NM_001256545.2(MEGF10):c.2707A>C (p.Asn903His)

Gene: MEGF10 (multiple EGF like domains 10; plus strand). Cytogenetic location: 5q23.2.
Variant type: single nucleotide variant.
Coding change: c.2707A>C on transcript NM_001256545.2 (MANE Select); coding-DNA position 2707, A replaced by C.
Protein change: p.Asn903His; replaces asparagine 903 with histidine.
Molecular consequence: missense variant.
Genome position (GRCh38, 1-based): chr5:127,445,672, A>C. VCF-style: chr5-127445672-A-C. GRCh37 (hg19) VCF-style: chr5-126781364-A-C.
Other names: c.2707A>C, p.Asn903His (NM_032446.3); short protein forms N903H.
Identifiers: ClinVar variation 643792 (VCV000643792.9), dbSNP rs1580880504, ClinGen allele CA360734975.
Genomic context (GRCh38, chr5:127,445,672, plus strand): 5'-CAGAAGGGAAAGGAATCAAGCATGCCAGCAGTTACCTACACCCCTGCTATGAGGGTCGTC[A>C]ATGCAGATTATACCATTTCAGGTAAGAGCAGAGGCAGGAGAGGCATTTTGCTTCTTGAAA-3'
Protein context (NP_001243474.1, residues 893-913): VTYTPAMRVV[Asn903His]ADYTISGTLP